The following is an entry in ClinVar:

ClinVar aggregate classification (germline): Conflicting classifications of pathogenicity. Review status: criteria provided, conflicting classifications (1 of 4 stars). 3 submissions from 3 submitters: Uncertain significance (2); Likely benign (1). Last evaluated 2026-01-01.

Conditions:
Familial episodic pain syndrome with predominantly upper body involvement. Also called: Familial episodic pain syndrome 1. Identifiers: Orphanet 391384, Orphanet 391389, MedGen C3808667, MONDO:0014021, OMIM 615040.

Allele frequency attached by ClinVar (database versions not stated): ExAC 0.00009; gnomAD exomes 0.00009; gnomAD 0.00013; 1000 Genomes Project 30x 0.00016; 1000 Genomes Project 0.00020; TOPMed 0.00023.
gnomAD v4.1: 160 of 1,613,414 alleles (0.0099%); highest among the groups gnomAD compares: Middle Eastern, 0.12%; 1 homozygote.

Submissions (3):

CeGaT Center for Human Genetics Tuebingen
Classification: Likely benign. Last evaluated: 2026-01-01. Review status: criteria provided, single submitter. Criteria: CeGaT Center For Human Genetics Tuebingen Variant Classification Criteria Version 2. Collection method: clinical testing. Allele origin: germline. Affected: yes. Observed: 1 variant allele.
Comment: TRPA1: BP4

Ambry Genetics
Classification: Uncertain significance. Last evaluated: 2024-09-11. Review status: criteria provided, single submitter. Criteria: Ambry Variant Classification Scheme 2023. Collection method: clinical testing. Allele origin: germline.

Department of Pathology and Laboratory Medicine, Sinai Health System
Classification: Uncertain significance for Familial episodic pain syndrome with predominantly upper body involvement. Last evaluated: 2021-11-16. Review status: criteria provided, single submitter. Criteria: ACMG Guidelines, 2015. Collection method: research. Allele origin: germline.

NM_007332.3(TRPA1):c.1234G>A (p.Asp412Asn)

Genes: MSC-AS1 (MSC antisense RNA 1; plus strand), TRPA1 (transient receptor potential cation channel subfamily A member 1; minus strand). Cytogenetic location: 8q21.11.
Variant type: single nucleotide variant.
Coding change: c.1234G>A on transcript NM_007332.3 (MANE Select); coding-DNA position 1234, G replaced by A.
Protein change: p.Asp412Asn; replaces aspartic acid 412 with asparagine.
Molecular consequence: missense variant. On other transcripts: non-coding transcript variant (2).
Genome position (GRCh38, 1-based): chr8:72,055,816, C>T on the plus strand (G>A on the coding strand, the complement: TRPA1 is on the minus strand). VCF-style: chr8-72055816-C-T. GRCh37 (hg19) VCF-style: chr8-72968051-C-T.
Other names: short protein forms D412N.
Identifiers: ClinVar variation 2378253 (VCV002378253.8), dbSNP rs530978468, ClinGen allele CA4780960.